The following is an entry in ClinVar:

ClinVar aggregate classification (germline): Uncertain significance (1 of 4 stars; one submission).

Submission:

Ambry Genetics
Classification: Uncertain significance. Last evaluated: 2025-12-09. Review status: criteria provided, single submitter. Criteria: Ambry Variant Classification Scheme 2023. Collection method: clinical testing. Allele origin: germline.
Comment: The c.5882C>T (p.P1961L) alteration is located in exon 35 (coding exon 35) of the CR1 gene. This alteration results from a C to T substitution at nucleotide position 5882, causing the proline (P) at amino acid position 1961 to be replaced by a leucine (L). Based on data from gnomAD, the T allele has an overall frequency of <0.001% (0/245648) total alleles studied. The highest observed frequency was <0.001% (/) of alleles. Based on insufficient or conflicting evidence, the clinical significance of this alteration remains unclear.

NM_000651.6(CR1):c.7232C>T (p.Pro2411Leu)

Gene: CR1 (complement C3b/C4b receptor 1 (Knops blood group); plus strand). Cytogenetic location: 1q32.2.
Variant type: single nucleotide variant.
Coding change: c.7232C>T on transcript NM_000651.6 (MANE Select); coding-DNA position 7232, C replaced by T.
Protein change: p.Pro2411Leu; replaces proline 2411 with leucine.
Molecular consequence: missense variant.
Genome position (GRCh38, 1-based): chr1:207,620,045, C>T. VCF-style: chr1-207620045-C-T. GRCh37 (hg19) VCF-style: chr1-207793390-C-T.
Other names: short protein forms P2411L.
Identifiers: ClinVar variation 4656397 (VCV004656397.1).
Genomic context (GRCh38, chr1:207,620,045, plus strand): 5'-GGTATACTCTGGAAGGCAGTCCCTGGAGCCAGTGCCAGGCGGATGACAGATGGGACCCTC[C>T]TCTGGCCAAATGTACCTCTCGTAAGTGCAAGTGCAAGGAATGTGGGATCTTCCCGGTCAT-3'
Protein context (NP_000642.3, residues 2401-2421): QCQADDRWDP[Pro2411Leu]LAKCTSRTHD